The following is an entry in ClinVar:

NM_000258.3(MYL3):c.349A>G (p.Met117Val)

Gene: MYL3 (myosin light chain 3; minus strand). Cytogenetic location: 3p21.31.
Variant type: single nucleotide variant.
Coding change: c.349A>G on transcript NM_000258.3 (MANE Select); coding-DNA position 349, A replaced by G.
Protein change: p.Met117Val; replaces methionine 117 with valine.
Molecular consequence: missense variant.
Genome position (GRCh38, 1-based): chr3:46,859,607, T>C on the plus strand (A>G on the coding strand, the complement: MYL3 is on the minus strand). VCF-style: chr3-46859607-T-C. GRCh37 (hg19) VCF-style: chr3-46901097-T-C.
Other names: short protein forms M117V.
Identifiers: ClinVar variation 842809 (VCV000842809.8), dbSNP rs1701968895, ClinGen allele CA352496580.

ClinVar aggregate classification (germline): Uncertain significance. Review status: criteria provided, multiple submitters, no conflicts (2 of 4 stars). 2 submissions from 2 submitters: Uncertain significance (2). Last evaluated 2023-06-28.

Conditions:
Hypertrophic cardiomyopathy. Also called: HYPERTROPHIC MYOCARDIOPATHY. Identifiers: Orphanet 217569, MedGen C0007194, MeSH D002312, MONDO:0005045, HP:0001639.

Submissions (2):

All of Us Research Program, National Institutes of Health
Classification: Uncertain significance for Hypertrophic cardiomyopathy. Last evaluated: 2023-06-28. Review status: criteria provided, single submitter. Criteria: ACMG Guidelines, 2015. Collection method: clinical testing. Allele origin: germline. Inheritance: Autosomal dominant inheritance. Observed: 1 variant allele, 1 heterozygote.
Comment: This study involves interpretation of variants in research participants for the purpose of population health screening. Participant phenotype was not available at the time of variant classification. Additional details can be found in publication PMID: 35346344, PMCID: PMC8962531

Labcorp Genetics (formerly Invitae), Labcorp
Classification: Uncertain significance for Hypertrophic cardiomyopathy. Last evaluated: 2019-05-02. Review status: criteria provided, single submitter. Criteria: Invitae Variant Classification Sherloc (09022015). Collection method: clinical testing. Allele origin: germline.
Comment: This sequence change replaces methionine with valine at codon 117 of the MYL3 protein (p.Met117Val). The methionine residue is moderately conserved and there is a small physicochemical difference between methionine and valine. This variant is not present in population databases (ExAC no frequency). This variant has not been reported in the literature in individuals with MYL3-related conditions. Algorithms developed to predict the effect of missense changes on protein structure and function (SIFT, PolyPhen-2, Align-GVGD) all suggest that this variant is likely to be tolerated, but these predictions have not been confirmed by published functional studies and their clinical significance is uncertain. In summary, the available evidence is currently insufficient to determine the role of this variant in disease. Therefore, it has been classified as a Variant of Uncertain Significance.